The following is an entry in ClinVar:

ClinVar aggregate classification (germline): Pathogenic (1 of 4 stars; one submission).

Allele frequency attached by ClinVar (database versions not stated): TOPMed below 0.00001; gnomAD 0.00001.
gnomAD v4.1: 1 of 1,612,882 alleles (0.000062%); highest among the groups gnomAD compares: Admixed American, 0.0017%; no homozygotes.

Submission:

Labcorp Genetics (formerly Invitae), Labcorp
Classification: Pathogenic. Last evaluated: 2022-11-08. Review status: criteria provided, single submitter. Criteria: Invitae Variant Classification Sherloc (09022015). Collection method: clinical testing. Allele origin: germline.
Comment: ClinVar contains an entry for this variant (Variation ID: 1075420). For these reasons, this variant has been classified as Pathogenic. This variant has not been reported in the literature in individuals affected with COL9A1-related conditions. This variant is not present in population databases (gnomAD no frequency). This sequence change creates a premature translational stop signal (p.Gln444*) in the COL9A1 gene. It is expected to result in an absent or disrupted protein product. Loss-of-function variants in COL9A1 are known to be pathogenic (PMID: 16909383, 21421862).

Literature cited by the submitters: PubMed 16909383; PubMed 21421862.

NM_001851.6(COL9A1):c.1330C>T (p.Gln444Ter)

Gene: COL9A1 (collagen type IX alpha 1 chain; minus strand). Cytogenetic location: 6q13.
Variant type: single nucleotide variant.
Coding change: c.1330C>T on transcript NM_001851.6 (MANE Select); coding-DNA position 1330, C replaced by T.
Protein change: p.Gln444Ter; replaces glutamine 444 with a stop codon.
Molecular consequence: nonsense. On other transcripts: non-coding transcript variant (1).
Genome position (GRCh38, 1-based): chr6:70,266,728, G>A on the plus strand (C>T on the coding strand, the complement: COL9A1 is on the minus strand). VCF-style: chr6-70266728-G-A. GRCh37 (hg19) VCF-style: chr6-70976431-G-A.
Other names: c.601C>T, p.Gln201Ter (NM_001377289.1, NM_001377290.1, NM_078485.4); short protein forms Q201*, Q444*.
Identifiers: ClinVar variation 1075420 (VCV001075420.7), dbSNP rs1772042015, ClinGen allele CA364680700.